The following is an entry in ClinVar:

NM_001199107.2(TBC1D24):c.1367C>A (p.Pro456Gln)

Gene: TBC1D24 (TBC1 domain family member 24; plus strand). Cytogenetic location: 16p13.3.
Variant type: single nucleotide variant.
Coding change: c.1367C>A on transcript NM_001199107.2 (MANE Select); coding-DNA position 1367, C replaced by A.
Protein change: p.Pro456Gln; replaces proline 456 with glutamine.
Molecular consequence: missense variant.
Genome position (GRCh38, 1-based): chr16:2,500,332, C>A. VCF-style: chr16-2500332-C-A. GRCh37 (hg19) VCF-style: chr16-2550333-C-A.
Other names: c.1349C>A, p.Pro450Gln (NM_020705.3); short protein forms P456Q, P450Q.
Identifiers: ClinVar variation 425089 (VCV000425089.45), dbSNP rs200641000, ClinGen allele CA7844277.
Genomic context (GRCh38, chr16:2,500,332, plus strand): 5'-AGCCTGAGGTGCAGCGCTACGAGTGGGTGGTGATCAAGCACCCCGAGCTGACCAAGCCCC[C>A]ACCCTTGATGGCTGCCGAGCCCACCGCCCCACTCAGCCACTCCGCCTCCTCAGACCCCGC-3'
Protein context (NP_001186036.1, residues 446-466): VIKHPELTKP[Pro456Gln]PLMAAEPTAP

ClinVar aggregate classification (germline): Uncertain significance. Review status: criteria provided, multiple submitters, no conflicts (2 of 4 stars). 3 submissions from 3 submitters: Uncertain significance (3). Last evaluated 2024-10-30.

Conditions:
Autosomal dominant nonsyndromic hearing loss 65. Also called: TBC1D24-Related Autosomal Dominant Nonsyndromic Hearing Loss (DFNA); Deafness, autosomal dominant 65. Identifiers: Orphanet 90635, MedGen C3892048, MONDO:0014470, OMIM 616044.
Developmental and epileptic encephalopathy, 1 (DEE1). Also called: Epileptic encephalopathy, early infantile, 1; X-linked infantile spasms; West's syndrome; Tonic spasms with clustering, arrest of psychomotor development and hypsarrhythmia on EEG; X-Linked Infantile Spasm Syndrome; OHTAHARA SYNDROME, X-LINKED. Identifiers: MedGen C3463992, MONDO:0010632, OMIM 308350. Disease mechanism: loss of function.
Rolandic epilepsy-paroxysmal exercise-induced dystonia-writer's cramp syndrome. Also called: TBC1D24-Related Rolandic Epilepsy with Paroxysmal Exercise-Induced Dystonia and Writer's Cramp (EPRPDC); RE-PED-WC. Identifiers: Orphanet 163727, MedGen C1842531, MONDO:0011970, OMIM 608105.

Allele frequency attached by ClinVar (database versions not stated): TOPMed 0.00002.
gnomAD v4.1: 26 of 1,611,358 alleles (0.0016%); highest among the groups gnomAD compares: Non-Finnish European, 0.0019%; no homozygotes.

Submissions (3):

Labcorp Genetics (formerly Invitae), Labcorp
Classification: Uncertain significance for Developmental and epileptic encephalopathy, 1; Autosomal dominant nonsyndromic hearing loss 65. Last evaluated: 2024-10-30. Review status: criteria provided, single submitter. Criteria: Invitae Variant Classification Sherloc (09022015). Collection method: clinical testing. Allele origin: germline.
Comment: This sequence change replaces proline, which is neutral and non-polar, with glutamine, which is neutral and polar, at codon 456 of the TBC1D24 protein (p.Pro456Gln). This variant is present in population databases (rs200641000, gnomAD 0.004%). This variant has not been reported in the literature in individuals affected with TBC1D24-related conditions. ClinVar contains an entry for this variant (Variation ID: 425089). Invitae Evidence Modeling of protein sequence and biophysical properties (such as structural, functional, and spatial information, amino acid conservation, physicochemical variation, residue mobility, and thermodynamic stability) indicates that this missense variant is not expected to disrupt TBC1D24 protein function with a negative predictive value of 95%. In summary, the available evidence is currently insufficient to determine the role of this variant in disease. Therefore, it has been classified as a Variant of Uncertain Significance.

CeGaT Center for Human Genetics Tuebingen
Classification: Uncertain significance. Last evaluated: 2023-05-01. Review status: criteria provided, single submitter. Criteria: CeGaT Center For Human Genetics Tuebingen Variant Classification Criteria Version 2. Collection method: clinical testing. Allele origin: germline. Affected: yes. Observed: 2 variant alleles.
Comment: TBC1D24: PM2, BP4

Institute of Human Genetics, University Hospital of Duesseldorf
Classification: Uncertain significance for Rolandic epilepsy-paroxysmal exercise-induced dystonia-writer's cramp syndrome. Review status: criteria provided, single submitter. Criteria: ACMG Guidelines, 2015. Collection method: not provided. Allele origin: germline. Inheritance: Autosomal dominant inheritance. Affected: yes.